The following is an entry in ClinVar:

NM_000719.7(CACNA1C):c.5493G>A (p.Thr1831=)

Genes: CACNA1C (calcium voltage-gated channel subunit alpha1 C; plus strand), CACNA1C-AS1 (CACNA1C antisense RNA 1; minus strand). Cytogenetic location: 12p13.33.
Variant type: single nucleotide variant.
Coding change: c.5493G>A on transcript NM_000719.7 (MANE Select); coding-DNA position 5493, G replaced by A.
Protein change: p.Thr1831=; no amino-acid change (threonine 1831 retained).
Molecular consequence: synonymous variant.
Genome position (GRCh38, 1-based): chr12:2,682,598, G>A. VCF-style: chr12-2682598-G-A. GRCh37 (hg19) VCF-style: chr12-2791764-G-A.
Other names: c.5637G>A, p.Thr1879= (NM_001129827.2); c.5616G>A, p.Thr1872= (NM_001129829.2); c.5598G>A, p.Thr1866= (NM_001129830.3, NM_001167624.3); c.5577G>A, p.Thr1859= (NM_001129831.2); c.5553G>A, p.Thr1851= (NM_001129832.2); c.5550G>A, p.Thr1850= (NM_001129833.2, NM_001129834.2, NM_001129835.2); c.5544G>A, p.Thr1848= (NM_001129836.2); c.5517G>A, p.Thr1839= (NM_001129837.2, NM_001129838.2); and 6 more.
Identifiers: ClinVar variation 416867 (VCV000416867.18), dbSNP rs368046891, ClinGen allele CA6389878.

ClinVar aggregate classification (germline): Likely benign. Review status: criteria provided, multiple submitters, no conflicts (2 of 4 stars). 5 submissions from 5 submitters: Likely benign (4). 1 of the submissions does not count toward it. Last evaluated 2026-01-27.

Conditions:
CACNA1C-related disorder. Also called: CACNA1C-related disorders; CACNA1C-related condition. Identifiers: MedGen CN381092, MONDO:0700321.
Timothy syndrome (TS). Also called: LONG QT SYNDROME WITH SYNDACTYLY. Identifiers: Orphanet 65283, MedGen C1832916, MeSH C536962, MONDO:0010979, OMIM 601005.
Brugada syndrome 3 (BRGDA3). Identifiers: Orphanet 130, MedGen C2678478, MONDO:0012742, OMIM 611875.
Long QT syndrome 8. Identifiers: MedGen CN260585, MONDO:0032756, OMIM 618447.
Cardiovascular phenotype. Identifiers: MedGen CN230736.
Long QT syndrome (LQTS). Identifiers: MedGen C0023976, MeSH D008133, MONDO:0002442. Disease mechanism: loss of function. Inheritance: Various modes of inheritance.

Allele frequency attached by ClinVar (database versions not stated): ExAC 0.00002; gnomAD exomes 0.00001 and 0.00002; gnomAD 0.00003; TOPMed 0.00003; ESP Exome Variant Server 0.00008.
gnomAD v4.1: 38 of 1,612,310 alleles (0.0024%); highest among the groups gnomAD compares: Admixed American, 0.005%; no homozygotes.

Submissions (5):

Labcorp Genetics (formerly Invitae), Labcorp
Classification: Likely benign for Long QT syndrome. Last evaluated: 2026-01-27. Review status: criteria provided, single submitter. Criteria: Invitae Variant Classification Sherloc (09022015). Collection method: clinical testing. Allele origin: germline.

Women's Health and Genetics/Laboratory Corporation of America, LabCorp
Classification: Likely benign. Last evaluated: 2022-08-27. Review status: criteria provided, single submitter. Criteria: LabCorp Variant Classification Summary - May 2015. Collection method: clinical testing. Allele origin: germline.

Fulgent Genetics
Classification: Likely benign for Timothy syndrome; Brugada syndrome 3; Long QT syndrome 8. Last evaluated: 2021-07-26. Review status: criteria provided, single submitter. Criteria: ACMG Guidelines, 2015. Collection method: clinical testing. Allele origin: unknown.

Ambry Genetics
Classification: Likely benign for Cardiovascular phenotype. Last evaluated: 2018-08-04. Review status: criteria provided, single submitter. Criteria: Ambry Variant Classification Scheme 2023. Collection method: clinical testing. Allele origin: germline.

PreventionGenetics, part of Exact Sciences
Classification: Likely benign for CACNA1C-related condition. Last evaluated: 2023-06-26. Review status: no assertion criteria provided. Collection method: clinical testing. Allele origin: germline. Not counted in ClinVar's aggregate classification.
Comment: This variant is classified as likely benign based on ACMG/AMP sequence variant interpretation guidelines (Richards et al. 2015 PMID: 25741868, with internal and published modifications).